The following is an entry in ClinVar:

NM_014844.5(TECPR2):c.167T>C (p.Met56Thr)

Gene: TECPR2 (tectonin beta-propeller repeat containing 2; plus strand). Cytogenetic location: 14q32.31.
Variant type: single nucleotide variant.
Coding change: c.167T>C on transcript NM_014844.5 (MANE Select); coding-DNA position 167, T replaced by C.
Protein change: p.Met56Thr; replaces methionine 56 with threonine.
Molecular consequence: missense variant.
Genome position (GRCh38, 1-based): chr14:102,376,888, T>C. VCF-style: chr14-102376888-T-C. GRCh37 (hg19) VCF-style: chr14-102843225-T-C.
Other names: c.167T>C, p.Met56Thr (NM_001172631.3); short protein forms M56T.
Identifiers: ClinVar variation 1523303 (VCV001523303.4), dbSNP rs755600315, ClinGen allele CA7357352.

ClinVar aggregate classification (germline): Uncertain significance (1 of 4 stars; one submission).

Conditions:
Hereditary spastic paraplegia 49 (HSAN9). Also called: Spastic paraplegia 49, autosomal recessive; TECPR2-Related Hereditary Sensory and Autonomic Neuropathy with Intellectual Disability; NEUROPATHY, HEREDITARY SENSORY AND AUTONOMIC, TYPE IX, WITH DEVELOPMENTAL DELAY. Identifiers: Orphanet 320385, MedGen C5190860, MONDO:0014016, OMIM 615031.

Allele frequency attached by ClinVar (database versions not stated): ExAC 0.00001; gnomAD exomes 0.00001.
gnomAD v4.1: 15 of 1,614,152 alleles (0.00093%); highest among the groups gnomAD compares: Non-Finnish European, 0.0013%; no homozygotes.

Submission:

Labcorp Genetics (formerly Invitae), Labcorp
Classification: Uncertain significance for Hereditary spastic paraplegia 49. Last evaluated: 2025-08-21. Review status: criteria provided, single submitter. Criteria: Invitae Variant Classification Sherloc (09022015). Collection method: clinical testing. Allele origin: germline.
Comment: This sequence change replaces methionine, which is neutral and non-polar, with threonine, which is neutral and polar, at codon 56 of the TECPR2 protein (p.Met56Thr). This variant is present in population databases (rs755600315, gnomAD 0.002%). This variant has not been reported in the literature in individuals affected with TECPR2-related conditions. ClinVar contains an entry for this variant (Variation ID: 1523303). An algorithm developed to predict the effect of missense changes on protein structure and function (PolyPhen-2) suggests that this variant is likely to be disruptive. In summary, the available evidence is currently insufficient to determine the role of this variant in disease. Therefore, it has been classified as a Variant of Uncertain Significance.